The following is an entry in ClinVar:

ClinVar aggregate classification (germline): Pathogenic (1 of 4 stars; one submission).

Submission:

Labcorp Genetics (formerly Invitae), Labcorp
Classification: Pathogenic. Last evaluated: 2022-10-25. Review status: criteria provided, single submitter. Criteria: Invitae Variant Classification Sherloc (09022015). Collection method: clinical testing. Allele origin: germline.
Comment: For these reasons, this variant has been classified as Pathogenic. Retrotransposon insertions including LINE1 (L1), Alu, and SVA (SINE-VNTR-Alu) have been reported to disrupt protein function (PMID: 19763152, 20307669, 22406018). However the effect of this particular variant is unknown. This variant disrupts the C-terminus of the RP1 protein. Many variants that disrupt this region have been reported in individuals with either autosomal dominant or autosomal recessive retinitis pigmentosa (PMID: 11527933, 19933189, 29425069, 30027431, 33681214). Therefore, variants that disrupt this region are expected to be disease-causing. This sequence change inserts a large fragment of DNA, likely a transposable element, in exon 4 of the RP1 gene (c.4101_4102ins?), causing a frameshift at codon 1368 (p.Ile1368fs?). The exact size and sequence of the insertion cannot be determined by the current assay. However, the insertion is expected to result in an absent or disrupted protein product. This variant is not present in population databases (gnomAD no frequency). This variant has not been reported in the literature in individuals affected with RP1-related conditions.

Literature cited by the submitters: PubMed 19763152; PubMed 20307669; PubMed 22406018; PubMed 11527933; PubMed 19933189; PubMed 29425069; PubMed 30027431; PubMed 33681214.

NM_006269.2(RP1):c.4101_4102insGGCAGACTGCGGCGGCGGTGGTCTGAGGAAGTTCTATCTTGGCGCTAAAGCGGAGACGCATCCCCCGACCCGANNNNNNNNNNAAAAAAAAAAAAAAAAAAAAAGAAAGAGGTGATGAC (p.Ile1368delinsGlyArgLeuArgArgArgTrpSerGluGluValLeuSerTrpArgTer)

Gene: RP1 (RP1 axonemal microtubule associated; plus strand). Cytogenetic location: 8q12.1.
Variant type: Insertion.
Coding change: c.4101_4102insGGCAGACTGCGGCGGCGGTGGTCTGAGGAAGTTCTATCTTGGCGCTAAAGCGGAGACGCATCCCCCGACCCGANNNNNNNNNNAAAAAAAAAAAAAAAAAAAAAGAAAGAGGTGATGAC on transcript NM_006269.2 (MANE Select); coding-DNA positions 4101 to 4102, GGCAGACTGCGGCGGCGGTGGTCTGAGGAAGTTCTATCTTGGCGCTAAAGCGGAGACGCATCCCCCGACCCGANNNNNNNNNNAAAAAAAAAAAAAAAAAAAAAGAAAGAGGTGATGAC inserted.
Protein change: p.Ile1368delinsGlyArgLeuArgArgArgTrpSerGluGluValLeuSerTrpArgTer.
Molecular consequence: nonsense. On other transcripts: intron variant (1).
Genome position: GRCh38: chr8:54,627,983-54,627,984. GRCh37 (hg19): chr8:55,540,543-55,540,544.
Other names: c.787+5695_787+5696insGGCAGACTGCGGCGGCGGTGGTCTGAGGAAGTTCTATCTTGGCGCTAAAGCGGAGACGCATCCCCCGACCCGANNNNNNNNNNAAAAAAAAAAAAAAAAAAAAAGAAAGAGGTGATGAC (NM_001375654.1).
Identifiers: ClinVar variation 2024357 (VCV002024357.4), dbSNP rs2536582708.